The following is an entry in ClinVar:

ClinVar aggregate classification (germline): Uncertain significance. Review status: criteria provided, multiple submitters, no conflicts (2 of 4 stars). 2 submissions from 2 submitters: Uncertain significance (2). Last evaluated 2024-11-03.

Conditions:
Hereditary cancer-predisposing syndrome. Also called: Neoplastic Syndromes, Hereditary; Tumor predisposition; Hereditary neoplastic syndrome; Hereditary Cancer Syndrome. Identifiers: Orphanet 140162, MedGen C0027672, MeSH D009386, MONDO:0015356.
Familial adenomatous polyposis 1 (FAP1). Also called: POLYPOSIS, ADENOMATOUS INTESTINAL; FAMILIAL ADENOMATOUS POLYPOSIS 1, ATTENUATED. Identifiers: MedGen C2713442, MONDO:0021056, OMIM 175100. Disease mechanism: loss of function.

Submissions (2):

Labcorp Genetics (formerly Invitae), Labcorp
Classification: Uncertain significance for Familial adenomatous polyposis 1. Last evaluated: 2024-11-03. Review status: criteria provided, single submitter. Criteria: Invitae Variant Classification Sherloc (09022015). Collection method: clinical testing. Allele origin: germline.
Comment: This sequence change replaces threonine, which is neutral and polar, with arginine, which is basic and polar, at codon 2813 of the APC protein (p.Thr2813Arg). This variant is not present in population databases (gnomAD no frequency). This variant has not been reported in the literature in individuals affected with APC-related conditions. ClinVar contains an entry for this variant (Variation ID: 3231802). Invitae Evidence Modeling of protein sequence and biophysical properties (such as structural, functional, and spatial information, amino acid conservation, physicochemical variation, residue mobility, and thermodynamic stability) indicates that this missense variant is not expected to disrupt APC protein function with a negative predictive value of 95%. In summary, the available evidence is currently insufficient to determine the role of this variant in disease. Therefore, it has been classified as a Variant of Uncertain Significance.

Ambry Genetics
Classification: Uncertain significance for Hereditary cancer-predisposing syndrome. Last evaluated: 2023-12-29. Review status: criteria provided, single submitter. Criteria: Ambry Variant Classification Scheme 2023. Collection method: clinical testing. Allele origin: germline.
Comment: The p.T2813R variant (also known as c.8438C>G), located in coding exon 15 of the APC gene, results from a C to G substitution at nucleotide position 8438. The threonine at codon 2813 is replaced by arginine, an amino acid with similar properties. This amino acid position is conserved. In addition, in silico predictors for this gene do not accurately predict pathogenicity. Since supporting evidence is limited at this time, the clinical significance of this alteration remains unclear.

NM_000038.6(APC):c.8438C>G (p.Thr2813Arg)

Gene: APC (APC regulator of Wnt signaling pathway; plus strand). Cytogenetic location: 5q22.2.
Variant type: single nucleotide variant.
Coding change: c.8438C>G on transcript NM_000038.6 (MANE Select); coding-DNA position 8438, C replaced by G.
Protein change: p.Thr2813Arg; replaces threonine 2813 with arginine.
Molecular consequence: missense variant. On other transcripts: non-coding transcript variant (2).
Genome position (GRCh38, 1-based): chr5:112,844,032, C>G. VCF-style: chr5-112844032-C-G. GRCh37 (hg19) VCF-style: chr5-112179729-C-G.
Other names: c.8135C>G, p.Thr2712Arg (NM_001354903.2, NM_001407458.1, NM_001407459.1 and 1 more transcripts); c.8060C>G, p.Thr2687Arg (NM_001354904.2); c.7958C>G, p.Thr2653Arg (NM_001354905.2); c.7589C>G, p.Thr2530Arg (NM_001354906.2, NM_001407470.1); c.8522C>G, p.Thr2841Arg (NM_001407446.1); c.8492C>G, p.Thr2831Arg (NM_001407447.1, NM_001407448.1, NM_001407449.1 and 1 more transcripts); c.8438C>G, p.Thr2813Arg (NM_001407450.1, NM_001127510.3, NM_001354895.2); c.8417C>G, p.Thr2806Arg (NM_001407451.1); and 11 more; short protein forms T2754R, T2772R, T2785R, T2788R, T2795R, T2803R, T2806R, T2813R.
Identifiers: ClinVar variation 3231802 (VCV003231802.3), dbSNP rs1060503275, ClinGen allele CA16039638.